The following is an entry in ClinVar:

NM_002880.4(RAF1):c.907A>G (p.Thr303Ala)

Gene: RAF1 (Raf-1 proto-oncogene, serine/threonine kinase; minus strand). Cytogenetic location: 3p25.2.
Variant type: single nucleotide variant.
Coding change: c.907A>G on transcript NM_002880.4 (MANE Select); coding-DNA position 907, A replaced by G.
Protein change: p.Thr303Ala; replaces threonine 303 with alanine.
Molecular consequence: missense variant. On other transcripts: non-coding transcript variant (3).
Genome position (GRCh38, 1-based): chr3:12,600,235, T>C on the plus strand (A>G on the coding strand, the complement: RAF1 is on the minus strand). VCF-style: chr3-12600235-T-C. GRCh37 (hg19) VCF-style: chr3-12641734-T-C.
Other names: NM_002880.3(RAF1):c.907A>G; c.967A>G, p.Thr323Ala (NM_001354689.3); c.907A>G, p.Thr303Ala (NM_001354690.3); c.664A>G, p.Thr222Ala (NM_001354691.3, NM_001354692.3); c.808A>G, p.Thr270Ala (NM_001354693.3); c.724A>G, p.Thr242Ala (NM_001354694.3); c.565A>G, p.Thr189Ala (NM_001354695.3); short protein forms T303A, T323A, T189A, T270A, T222A, T242A.
Identifiers: ClinVar variation 448928 (VCV000448928.13), dbSNP rs775898894, ClinGen allele CA2259632.

ClinVar aggregate classification (germline): Likely benign. Review status: reviewed by expert panel (3 of 4 stars). 6 submissions from 6 submitters: Likely benign (1). 5 of the submissions do not count toward it. Last evaluated 2017-04-18.

Conditions:
Cardiovascular phenotype. Identifiers: MedGen CN230736.
RAF1-related disorder. Also called: RAF1-related disorders; RAF1-related condition.
RASopathy. Also called: rasopathies; Noonan spectrum disorder. Identifiers: Orphanet 536391, MedGen C5555857, MONDO:0021060.

Allele frequency attached by ClinVar (database versions not stated): gnomAD 0.00001; TOPMed 0.00002; gnomAD exomes 0.00004 and 0.00006; ExAC 0.00007.
gnomAD v4.1: 28 of 1,614,102 alleles (0.0017%); highest among the groups gnomAD compares: Admixed American, 0.037%; no homozygotes.

Submissions (6):

ClinGen RASopathy Variant Curation Expert Panel
Classification: Likely benign for Noonan syndrome and Noonan-related syndrome. Last evaluated: 2017-04-18. Review status: reviewed by expert panel. Criteria: ClinGen RASopathy ACMG Specifications v1. Collection method: curation. Allele origin: germline. Inheritance: Autosomal dominant inheritance.
Comment: The filtering allele frequency of the c.907A>G (p.Thr303Ala) variant in the RAF1 gene is 0.0284% (7/11568) of Latino chromosomes by the Exome Aggregation Consortium, which is a high enough frequency to be classified as likely benign based on thresholds defined by the ClinGen RASopathy Expert Panel (BS1; PMID:29493581)

Labcorp Genetics (formerly Invitae), Labcorp
Classification: Likely benign for RASopathy. Last evaluated: 2026-01-19. Review status: criteria provided, single submitter. Criteria: Invitae Variant Classification Sherloc (09022015). Collection method: clinical testing. Allele origin: germline. Not counted in ClinVar's aggregate classification.

ARUP Laboratories, Molecular Genetics and Genomics, ARUP Laboratories
Classification: Likely benign. Last evaluated: 2025-03-06. Review status: criteria provided, single submitter. Criteria: ARUP Molecular Germline Variant Investigation Process 2024. Collection method: clinical testing. Allele origin: germline. Not counted in ClinVar's aggregate classification.

Ambry Genetics
Classification: Likely benign for Cardiovascular phenotype. Last evaluated: 2019-03-21. Review status: criteria provided, single submitter. Criteria: Ambry Variant Classification Scheme 2023. Collection method: clinical testing. Allele origin: germline. Not counted in ClinVar's aggregate classification.

Women's Health and Genetics/Laboratory Corporation of America, LabCorp
Classification: Benign. Last evaluated: 2016-03-21. Review status: criteria provided, single submitter. Criteria: LabCorp Variant Classification Summary - May 2015. Collection method: clinical testing. Allele origin: germline. Not counted in ClinVar's aggregate classification.

PreventionGenetics, part of Exact Sciences
Classification: Likely benign for RAF1-related condition. Last evaluated: 2023-05-16. Review status: no assertion criteria provided. Collection method: clinical testing. Allele origin: germline. Not counted in ClinVar's aggregate classification.
Comment: This variant is classified as likely benign based on ACMG/AMP sequence variant interpretation guidelines (Richards et al. 2015 PMID: 25741868, with internal and published modifications).